The following is an entry in ClinVar:

ClinVar aggregate classification (germline): Uncertain significance. Review status: criteria provided, multiple submitters, no conflicts (2 of 4 stars). 2 submissions from 2 submitters: Uncertain significance (2). Last evaluated 2022-06-20.

Conditions:
Cardiovascular phenotype. Identifiers: MedGen CN230736.
Dilated cardiomyopathy 1KK (CMD1KK). Identifiers: Orphanet 154, Orphanet 75249, MedGen C3714995, MONDO:0014100, OMIM 615248.

Allele frequency attached by ClinVar (database versions not stated): gnomAD exomes below 0.00001; gnomAD 0.00001; TOPMed 0.00001.

Submissions (2):

Labcorp Genetics (formerly Invitae), Labcorp
Classification: Uncertain significance for Dilated cardiomyopathy 1KK. Last evaluated: 2022-06-20. Review status: criteria provided, single submitter. Criteria: Invitae Variant Classification Sherloc (09022015). Collection method: clinical testing. Allele origin: germline.
Comment: In summary, the available evidence is currently insufficient to determine the role of this variant in disease. Therefore, it has been classified as a Variant of Uncertain Significance. Algorithms developed to predict the effect of missense changes on protein structure and function output the following: SIFT: "Tolerated"; PolyPhen-2: "Benign"; Align-GVGD: "Class C0". The proline amino acid residue is found in multiple mammalian species, which suggests that this missense change does not adversely affect protein function. ClinVar contains an entry for this variant (Variation ID: 520304). This variant has not been reported in the literature in individuals affected with MYPN-related conditions. This variant is not present in population databases (gnomAD no frequency). This sequence change replaces serine, which is neutral and polar, with proline, which is neutral and non-polar, at codon 561 of the MYPN protein (p.Ser561Pro).

Ambry Genetics
Classification: Uncertain significance for Cardiovascular phenotype. Last evaluated: 2019-04-03. Review status: criteria provided, single submitter. Criteria: Ambry Variant Classification Scheme 2023. Collection method: clinical testing. Allele origin: germline.
Comment: The p.S561P variant (also known as c.1681T>C), located in coding exon 9 of the MYPN gene, results from a T to C substitution at nucleotide position 1681. The serine at codon 561 is replaced by proline, an amino acid with similar properties. This amino acid position is well conserved in available vertebrate species; however, proline is the reference amino acid in other vertebrate species. In addition, this alteration is predicted to be tolerated by in silico analysis. Since supporting evidence is limited at this time, the clinical significance of this alteration remains unclear.

NM_032578.4(MYPN):c.1681T>C (p.Ser561Pro)

Gene: MYPN (myopalladin; plus strand). Cytogenetic location: 10q21.3.
Variant type: single nucleotide variant.
Coding change: c.1681T>C on transcript NM_032578.4 (MANE Select); coding-DNA position 1681, T replaced by C.
Protein change: p.Ser561Pro; replaces serine 561 with proline.
Molecular consequence: missense variant. On other transcripts: non-coding transcript variant (2).
Genome position (GRCh38, 1-based): chr10:68,166,374, T>C. VCF-style: chr10-68166374-T-C. GRCh37 (hg19) VCF-style: chr10-69926131-T-C.
Other names: c.1681T>C, p.Ser561Pro (NM_001256267.2); c.799T>C, p.Ser267Pro (NM_001256268.2); short protein forms S561P, S267P.
Identifiers: ClinVar variation 520304 (VCV000520304.12), dbSNP rs1554845447, ClinGen allele CA376839733.